The following is an entry in ClinVar:

ClinVar aggregate classification (germline): Uncertain significance. Review status: criteria provided, multiple submitters, no conflicts (2 of 4 stars). 2 submissions from 2 submitters: Uncertain significance (2). Last evaluated 2023-12-07.

Conditions:
Inborn genetic diseases. Identifiers: MedGen C0950123, MeSH D030342.

Submissions (2):

Ambry Genetics
Classification: Uncertain significance for Inborn genetic diseases. Last evaluated: 2023-12-07. Review status: criteria provided, single submitter. Criteria: Ambry Variant Classification Scheme 2023. Collection method: clinical testing. Allele origin: germline.

GeneDx
Classification: Uncertain significance. Last evaluated: 2021-04-26. Review status: criteria provided, single submitter. Criteria: GeneDx Variant Classification Process June 2021. Collection method: clinical testing. Allele origin: germline. Affected: yes.
Comment: Not observed in large population cohorts (Lek et al., 2016); In silico analysis supports that this missense variant does not alter protein structure/function; Has not been previously published as pathogenic or benign to our knowledge

NM_024577.4(SH3TC2):c.3757A>C (p.Ile1253Leu)

Gene: SH3TC2 (SH3 domain and tetratricopeptide repeats 2; minus strand). Cytogenetic location: 5q32.
Variant type: single nucleotide variant.
Coding change: c.3757A>C on transcript NM_024577.4 (MANE Select); coding-DNA position 3757, A replaced by C.
Protein change: p.Ile1253Leu; replaces isoleucine 1253 with leucine.
Molecular consequence: missense variant.
Genome position (GRCh38, 1-based): chr5:149,004,821, T>G on the plus strand (A>C on the coding strand, the complement: SH3TC2 is on the minus strand). VCF-style: chr5-149004821-T-G. GRCh37 (hg19) VCF-style: chr5-148384384-T-G.
Other names: short protein forms I1253L.
Identifiers: ClinVar variation 1314639 (VCV001314639.3), dbSNP rs147931490, ClinGen allele CA361663497.